The following is an entry in ClinVar:

NM_182961.4(SYNE1):c.24783C>T (p.Leu8261=)

Gene: SYNE1 (spectrin repeat containing nuclear envelope protein 1; minus strand). Cytogenetic location: 6q25.2.
Variant type: single nucleotide variant.
Coding change: c.24783C>T on transcript NM_182961.4 (MANE Select); coding-DNA position 24783, C replaced by T.
Protein change: p.Leu8261=; no amino-acid change (leucine 8261 retained).
Molecular consequence: synonymous variant.
Genome position (GRCh38, 1-based): chr6:152,148,238, G>A on the plus strand (C>T on the coding strand, the complement: SYNE1 is on the minus strand). VCF-style: chr6-152148238-G-A. GRCh37 (hg19) VCF-style: chr6-152469373-G-A.
Other names: c.1389C>T, p.Leu463= (NM_001347701.2); c.1248C>T, p.Leu416= (NM_001347702.2); c.24570C>T, p.Leu8190= (NM_033071.5).
Identifiers: ClinVar variation 907227 (VCV000907227.6), dbSNP rs771221504, ClinGen allele CA4053074.

ClinVar aggregate classification (germline): Conflicting classifications of pathogenicity. Review status: criteria provided, conflicting classifications (1 of 4 stars). 4 submissions from 3 submitters: Uncertain significance (1); Benign (1); Likely benign (2). Last evaluated 2022-11-18.

Conditions:
Emery-Dreifuss muscular dystrophy 4, autosomal dominant (EDMD4). Also called: EMERY-DREIFUSS MUSCULAR DYSTROPHY 4 WITH VARIABLE FEATURES. Identifiers: Orphanet 261, MedGen C2751807, MONDO:0013071, OMIM 612998.
Autosomal recessive ataxia, Beauce type. Also called: Spinocerebellar ataxia, autosomal recessive 8; SYNE1-Related Autosomal Recessive Cerebellar Ataxia; SYNE1 Deficiency; ATAXIA, RECESSIVE, OF BEAUCE. Identifiers: Orphanet 88644, MedGen C1853116, MONDO:0012549, OMIM 610743.

Allele frequency attached by ClinVar (database versions not stated): ExAC 0.00002; gnomAD exomes 0.00002 and 0.00004; gnomAD 0.00005; TOPMed 0.00005.
gnomAD v4.1: 57 of 1,613,764 alleles (0.0035%); highest among the groups gnomAD compares: East Asian, 0.0089%; no homozygotes.

Submissions (4):

Blueprint Genetics
Classification: Likely benign. Last evaluated: 2022-11-18. Review status: criteria provided, single submitter. Criteria: ACMG Guidelines, 2015. Collection method: clinical testing. Allele origin: germline.

Athena Diagnostics
Classification: Likely benign. Last evaluated: 2020-07-14. Review status: criteria provided, single submitter. Criteria: Athena Diagnostics Criteria. Collection method: clinical testing. Allele origin: unknown.

Illumina Laboratory Services, Illumina
Classification: Uncertain significance for Autosomal recessive ataxia, Beauce type. Last evaluated: 2018-01-13. Review status: criteria provided, single submitter. Criteria: ICSL Variant Classification Criteria 13 December 2019. Collection method: clinical testing. Allele origin: germline.

Illumina Laboratory Services, Illumina
Classification: Benign for Emery-Dreifuss muscular dystrophy 4, autosomal dominant. Last evaluated: 2018-01-13. Review status: criteria provided, single submitter. Criteria: ICSL Variant Classification Criteria 13 December 2019. Collection method: clinical testing. Allele origin: germline.
Comment: This variant was observed in the ICSL laboratory as part of a predisposition screen in an ostensibly healthy population. It had not been previously curated by ICSL or reported in the Human Gene Mutation Database (HGMD: prior to June 1st, 2018), and was therefore a candidate for classification through an automated scoring system. Utilizing variant allele frequency, disease prevalence and penetrance estimates, and inheritance mode, an automated score was calculated to assess if this variant is too frequent to cause the disease. Based on the score and internal cut-off values, a variant classified as benign is not then subjected to further curation. The score for this variant resulted in a classification of benign for this disease.